The following is an entry in ClinVar:

ClinVar aggregate classification (germline): Uncertain significance. Review status: criteria provided, multiple submitters, no conflicts (2 of 4 stars). 3 submissions from 3 submitters: Uncertain significance (3). Last evaluated 2025-09-27.

Conditions:
Cardiovascular phenotype. Identifiers: MedGen CN230736.
Brugada syndrome 8 (BRGDA8). Identifiers: Orphanet 130, MedGen C2751083, MONDO:0013148, OMIM 613123.

Allele frequency attached by ClinVar (database versions not stated): TOPMed below 0.00001 and 0.00001; gnomAD exomes 0.00001; ExAC 0.00004.
gnomAD v4.1: 1 of 1,526,524 alleles (0.000066%); highest among the groups gnomAD compares: Non-Finnish European, 0.000087%; no homozygotes.

Submissions (3):

Labcorp Genetics (formerly Invitae), Labcorp
Classification: Uncertain significance for Brugada syndrome 8. Last evaluated: 2025-09-27. Review status: criteria provided, single submitter. Criteria: Invitae Variant Classification Sherloc (09022015). Collection method: clinical testing. Allele origin: germline.
Comment: This sequence change replaces serine, which is neutral and polar, with cysteine, which is neutral and slightly polar, at codon 1015 of the HCN4 protein (p.Ser1015Cys). This variant is not present in population databases (gnomAD no frequency). This variant has not been reported in the literature in individuals affected with HCN4-related conditions. ClinVar contains an entry for this variant (Variation ID: 1799183). Invitae Evidence Modeling of protein sequence and biophysical properties (such as structural, functional, and spatial information, amino acid conservation, physicochemical variation, residue mobility, and thermodynamic stability) has been performed for this missense variant. However, the output from this modeling did not meet the statistical confidence thresholds required to predict the impact of this variant on HCN4 protein function. In summary, the available evidence is currently insufficient to determine the role of this variant in disease. Therefore, it has been classified as a Variant of Uncertain Significance.

Ambry Genetics
Classification: Uncertain significance for Cardiovascular phenotype. Last evaluated: 2025-08-20. Review status: criteria provided, single submitter. Criteria: Ambry Variant Classification Scheme 2023. Collection method: clinical testing. Allele origin: germline.
Comment: The p.S1015C variant (also known as c.3044C>G), located in coding exon 8 of the HCN4 gene, results from a C to G substitution at nucleotide position 3044. The serine at codon 1015 is replaced by cysteine, an amino acid with dissimilar properties. This variant was not reported in population based cohorts in the following databases: Database of Single Nucleotide Polymorphisms (dbSNP), NHLBI Exome Sequencing Project (ESP), and 1000 Genomes Project. In the ESP, this variant was not observed in 4994 samples (9988 alleles) with coverage at this position. This amino acid position is not well conserved in available vertebrate species. In addition, the in silico prediction for this alteration is inconclusive. Since supporting evidence is limited at this time, the clinical significance of this alteration remains unclear.

Blueprint Genetics
Classification: Uncertain significance. Last evaluated: 2017-10-04. Review status: criteria provided, single submitter. Criteria: ACMG Guidelines, 2015. Collection method: clinical testing. Allele origin: germline.

NM_005477.3(HCN4):c.3044C>G (p.Ser1015Cys)

Gene: HCN4 (hyperpolarization activated cyclic nucleotide gated potassium channel 4; minus strand). Cytogenetic location: 15q24.1.
Variant type: single nucleotide variant.
Coding change: c.3044C>G on transcript NM_005477.3 (MANE Select); coding-DNA position 3044, C replaced by G.
Protein change: p.Ser1015Cys; replaces serine 1015 with cysteine.
Molecular consequence: missense variant.
Genome position (GRCh38, 1-based): chr15:73,323,049, G>C on the plus strand (C>G on the coding strand, the complement: HCN4 is on the minus strand). VCF-style: chr15-73323049-G-C. GRCh37 (hg19) VCF-style: chr15-73615390-G-C.
Other names: short protein forms S1015C.
Identifiers: ClinVar variation 1799183 (VCV001799183.6), dbSNP rs750605160, ClinGen allele CA7648895.
Genomic context (GRCh38, chr15:73,323,049, plus strand): 5'-GGGGGGCCTGGGCTGTGGCCAGGGGGGCTGAGACCTCCTCGGGGAGTAAAGCCTACAGGG[G>C]AAGCCCCCCCAGAGGCCCCTGCCACAAGGGACGGCGGCTCAGGCTGCCGTGGGGGTGTCT-3'
Protein context (NP_005468.1, residues 1005-1025): SLVAGASGGA[Ser1015Cys]PVGFTPRGGL